The following is an entry in ClinVar:

NM_152564.5(VPS13B):c.10307A>C (p.Lys3436Thr)

Gene: VPS13B (vacuolar protein sorting 13 homolog B; plus strand). Cytogenetic location: 8q22.2.
Variant type: single nucleotide variant.
Coding change: c.10307A>C on transcript NM_152564.5 (MANE Select); coding-DNA position 10307, A replaced by C.
Protein change: p.Lys3436Thr; replaces lysine 3436 with threonine.
Molecular consequence: missense variant.
Genome position (GRCh38, 1-based): chr8:99,853,696, A>C. VCF-style: chr8-99853696-A-C. GRCh37 (hg19) VCF-style: chr8-100865924-A-C.
Other names: c.10382A>C, p.Lys3461Thr (NM_017890.5); short protein forms K3436T, K3461T.
Identifiers: ClinVar variation 1773043 (VCV001773043.2), dbSNP rs1816407508, ClinGen allele CA371781470.

ClinVar aggregate classification (germline): Uncertain significance (1 of 4 stars; one submission).

Conditions:
Inborn genetic diseases. Identifiers: MedGen C0950123, MeSH D030342.

Allele frequency attached by ClinVar (database versions not stated): TOPMed 0.00001; gnomAD exomes below 0.00001.
gnomAD v4.1: 3 of 1,614,244 alleles (0.00019%); highest among the groups gnomAD compares: Non-Finnish European, 0.00025%; no homozygotes.

Submission:

Ambry Genetics
Classification: Uncertain significance for Inborn genetic diseases. Last evaluated: 2017-07-25. Review status: criteria provided, single submitter. Criteria: Ambry Variant Classification Scheme 2023. Collection method: clinical testing. Allele origin: germline.
Comment: The p.K3461T variant (also known as c.10382A>C), located in coding exon 55 of the VPS13B gene, results from an A to C substitution at nucleotide position 10382. The lysine at codon 3461 is replaced by threonine, an amino acid with similar properties. This amino acid position is not well conserved in available vertebrate species. In addition, the in silico prediction for this alteration is inconclusive. Since supporting evidence is limited at this time, the clinical significance of this alteration remains unclear.